The following is an entry in ClinVar:

NM_021008.4(DEAF1):c.1532C>G (p.Ala511Gly)

Gene: DEAF1 (DEAF1 transcription factor; minus strand). Cytogenetic location: 11p15.5.
Variant type: single nucleotide variant.
Coding change: c.1532C>G on transcript NM_021008.4 (MANE Select); coding-DNA position 1532, C replaced by G.
Protein change: p.Ala511Gly; replaces alanine 511 with glycine.
Molecular consequence: missense variant.
Genome position (GRCh38, 1-based): chr11:654,023, G>C on the plus strand (C>G on the coding strand, the complement: DEAF1 is on the minus strand). VCF-style: chr11-654023-G-C. GRCh37 (hg19) VCF-style: chr11-654023-G-C.
Other names: c.1307C>G, p.Ala436Gly (NM_001293634.2); c.806C>G, p.Ala269Gly (NM_001367390.1); short protein forms A511G, A269G, A436G.
Identifiers: ClinVar variation 3720980 (VCV003720980.2).

ClinVar aggregate classification (germline): Uncertain significance (1 of 4 stars; one submission).

Submission:

Labcorp Genetics (formerly Invitae), Labcorp
Classification: Uncertain significance. Last evaluated: 2024-05-27. Review status: criteria provided, single submitter. Criteria: Invitae Variant Classification Sherloc (09022015). Collection method: clinical testing. Allele origin: germline.
Comment: This sequence change replaces alanine, which is neutral and non-polar, with glycine, which is neutral and non-polar, at codon 511 of the DEAF1 protein (p.Ala511Gly). This variant is not present in population databases (gnomAD no frequency). This variant has not been reported in the literature in individuals affected with DEAF1-related conditions. Advanced modeling of protein sequence and biophysical properties (such as structural, functional, and spatial information, amino acid conservation, physicochemical variation, residue mobility, and thermodynamic stability) performed at Invitae indicates that this missense variant is expected to disrupt DEAF1 protein function with a positive predictive value of 95%. In summary, the available evidence is currently insufficient to determine the role of this variant in disease. Therefore, it has been classified as a Variant of Uncertain Significance.